The following is an entry in ClinVar:

ClinVar aggregate classification (germline): Likely benign. Review status: criteria provided, multiple submitters, no conflicts (2 of 4 stars). 3 submissions from 3 submitters: Likely benign (3). Last evaluated 2025-12-03.

Conditions:
Worth disease. Also called: ENDOSTEAL HYPEROSTOSIS, AUTOSOMAL DOMINANT; OSTEOSCLEROSIS, AUTOSOMAL DOMINANT; Autosomal dominant osteosclerosis, Worth type. Identifiers: Orphanet 2790, MedGen C0432273, MONDO:0007764, OMIM 144750.
Bone mineral density quantitative trait locus 1 (BMND1). Identifiers: MedGen C1866079, OMIM 601884.
Polycystic liver disease 4 with or without kidney cysts. Identifiers: MedGen C4693479, MONDO:0044327, OMIM 617875.
Exudative vitreoretinopathy 4 (EVR4). Identifiers: Orphanet 891, MedGen C1866176, MONDO:0011151, OMIM 601813.
Autosomal dominant osteopetrosis 1 (OPTA1). Also called: OSTEOPETROSIS, AUTOSOMAL DOMINANT, TYPE I. Identifiers: Orphanet 2783, MedGen C1843330, MONDO:0011877, OMIM 607634.
Osteoporosis with pseudoglioma (OPPG). Also called: osteoporosis-pseudoglioma syndrome. Identifiers: Orphanet 2788, MedGen C0432252, MONDO:0009820, OMIM 259770.
LRP5-related disorder. Also called: LRP5-related condition.

Allele frequency attached by ClinVar (database versions not stated): gnomAD exomes below 0.00001 and 0.00001; ExAC 0.00001; gnomAD 0.00003 and 0.00004; ESP Exome Variant Server 0.00008; TOPMed 0.00009.
gnomAD v4.1: 26 of 1,614,008 alleles (0.0016%); highest among the groups gnomAD compares: African/African-American, 0.011%; no homozygotes.

Submissions (3):

Labcorp Genetics (formerly Invitae), Labcorp
Classification: Likely benign. Last evaluated: 2025-12-03. Review status: criteria provided, single submitter. Criteria: Invitae Variant Classification Sherloc (09022015). Collection method: clinical testing. Allele origin: germline.

PreventionGenetics, part of Exact Sciences
Classification: Likely benign for LRP5-related condition. Last evaluated: 2025-06-25. Review status: criteria provided, single submitter. Criteria: ACMG Guidelines, 2015. Collection method: clinical testing. Allele origin: germline.
Comment: This variant is classified as likely benign based on ACMG/AMP sequence variant interpretation guidelines (Richards et al. 2015 PMID: 25741868, with internal and published modifications).

Fulgent Genetics
Classification: Likely benign for Worth disease; Osteoporosis with pseudoglioma; Exudative vitreoretinopathy 4; Bone mineral density quantitative trait locus 1; Autosomal dominant osteopetrosis 1; Polycystic liver disease 4 with or without kidney cysts. Last evaluated: 2024-05-28. Review status: criteria provided, single submitter. Criteria: ACMG Guidelines, 2015. Collection method: clinical testing. Allele origin: germline.

NM_002335.4(LRP5):c.249C>T (p.Ser83=)

Gene: LRP5 (LDL receptor related protein 5; plus strand). Cytogenetic location: 11q13.2.
Variant type: single nucleotide variant.
Coding change: c.249C>T on transcript NM_002335.4 (MANE Select); coding-DNA position 249, C replaced by T.
Protein change: p.Ser83=; no amino-acid change (serine 83 retained).
Molecular consequence: synonymous variant. On other transcripts: 5 prime UTR variant (1).
Genome position (GRCh38, 1-based): chr11:68,348,004, C>T. VCF-style: chr11-68348004-C-T. GRCh37 (hg19) VCF-style: chr11-68115472-C-T.
Other names: c.-1517C>T (NM_001291902.2); c.249C>T (NM_002335.3).
Identifiers: ClinVar variation 1430712 (VCV001430712.11), dbSNP rs375802434, ClinGen allele CA6148943.